The following is an entry in ClinVar:

ClinVar aggregate classification (germline): Uncertain significance (1 of 4 stars; one submission).

gnomAD v4.1: 392 of 1,610,296 alleles (0.024%); highest among the groups gnomAD compares: African/African-American, 0.48%; no homozygotes.

Submission:

Dasa
Classification: Uncertain significance. Last evaluated: 2025-05-05. Review status: criteria provided, single submitter. Criteria: DASA Assertion Criteria. Collection method: clinical testing. Allele origin: germline.
Comment: NM_001346249.2(RALGAPA1):c.6908G>A (p.Arg2303Lys) is a missense variant that results in the substitution of arginine with lysine. This variant is rare in population databases. Computational prediction algorithms are consistent with a benign effect. The currently available literature and clinical evidence are not sufficient to establish a definitive association between this variant and the reported condition. Therefore, this variant is classified as a variant of uncertain significance.

NM_001346249.2(RALGAPA1):c.6908G>A (p.Arg2303Lys)

Gene: RALGAPA1 (Ral GTPase activating protein catalytic subunit alpha 1; minus strand). Cytogenetic location: 14q13.2.
Variant type: single nucleotide variant.
Coding change: c.6908G>A on transcript NM_001346249.2 (MANE Select); coding-DNA position 6908, G replaced by A.
Protein change: p.Arg2303Lys; replaces arginine 2303 with lysine.
Molecular consequence: missense variant.
Genome position (GRCh38, 1-based): chr14:35,625,382, C>T on the plus strand (G>A on the coding strand, the complement: RALGAPA1 is on the minus strand). VCF-style: chr14-35625382-C-T. GRCh37 (hg19) VCF-style: chr14-36094588-C-T.
Other names: c.5531G>A, p.Arg1844Lys (NM_001346247.2, NM_001283044.3, NM_001346245.2); c.6767G>A, p.Arg2256Lys (NM_001346248.2, NM_001330075.3); c.5390G>A, p.Arg1797Lys (NM_014990.3, NM_194301.4, NM_001346243.2 and 1 more transcripts); c.5429G>A, p.Arg1810Lys (NM_001283043.3); short protein forms R1797K, R1810K, R1844K, R2256K, R2303K.
Identifiers: ClinVar variation 4882975 (VCV004882975.2).